The following is an entry in ClinVar:

ClinVar aggregate classification (germline): Uncertain significance. Review status: criteria provided, multiple submitters, no conflicts (2 of 4 stars). 2 submissions from 2 submitters: Uncertain significance (2). Last evaluated 2024-04-16.

Allele frequency attached by ClinVar (database versions not stated): ExAC 0.00001; gnomAD exomes 0.00002.
gnomAD v4.1: 30 of 1,614,032 alleles (0.0019%); highest among the groups gnomAD compares: Non-Finnish European, 0.0023%; no homozygotes.

Submissions (2):

Mayo Clinic Laboratories, Mayo Clinic
Classification: Uncertain significance. Last evaluated: 2024-04-16. Review status: criteria provided, single submitter. Criteria: ACMG Guidelines, 2015. Collection method: clinical testing. Allele origin: germline. Observed: 1 variant allele.
Comment: PM2_moderate

Labcorp Genetics (formerly Invitae), Labcorp
Classification: Uncertain significance. Last evaluated: 2022-06-17. Review status: criteria provided, single submitter. Criteria: Invitae Variant Classification Sherloc (09022015). Collection method: clinical testing. Allele origin: germline.
Comment: In summary, the available evidence is currently insufficient to determine the role of this variant in disease. Therefore, it has been classified as a Variant of Uncertain Significance. Algorithms developed to predict the effect of missense changes on protein structure and function (SIFT, PolyPhen-2, Align-GVGD) all suggest that this variant is likely to be disruptive. This sequence change replaces tryptophan, which is neutral and slightly polar, with leucine, which is neutral and non-polar, at codon 822 of the ABCB6 protein (p.Trp822Leu). This variant is present in population databases (rs754250687, gnomAD 0.0009%). This variant has not been reported in the literature in individuals affected with ABCB6-related conditions.

NM_005689.4(ABCB6):c.2465G>T (p.Trp822Leu)

Gene: ABCB6 (ATP binding cassette subfamily B member 6 (LAN blood group); minus strand). Cytogenetic location: 2q35.
Variant type: single nucleotide variant.
Coding change: c.2465G>T on transcript NM_005689.4 (MANE Select); coding-DNA position 2465, G replaced by T.
Protein change: p.Trp822Leu; replaces tryptophan 822 with leucine.
Molecular consequence: missense variant.
Genome position (GRCh38, 1-based): chr2:219,210,002, C>A on the plus strand (G>T on the coding strand, the complement: ABCB6 is on the minus strand). VCF-style: chr2-219210002-C-A. GRCh37 (hg19) VCF-style: chr2-220074724-C-A.
Other names: p.Trp822Leu; c.2327G>T, p.Trp776Leu (NM_001349828.2); short protein forms W776L, W822L.
Identifiers: ClinVar variation 2175126 (VCV002175126.5), dbSNP rs754250687, ClinGen allele CA2118874.